The following is an entry in ClinVar:

NM_001018115.3(FANCD2):c.4067A>G (p.His1356Arg)

Genes: FANCD2 (FA complementation group D2; plus strand), FANCD2OS (FANCD2 opposite strand; minus strand). Cytogenetic location: 3p25.3.
Variant type: single nucleotide variant.
Coding change: c.4067A>G on transcript NM_001018115.3 (MANE Select); coding-DNA position 4067, A replaced by G.
Protein change: p.His1356Arg; replaces histidine 1356 with arginine.
Molecular consequence: missense variant. On other transcripts: intron variant (1).
Genome position (GRCh38, 1-based): chr3:10,096,354, A>G. VCF-style: chr3-10096354-A-G. GRCh37 (hg19) VCF-style: chr3-10138038-A-G.
Other names: NP_001018125.1:p.His1356Arg; c.4067A>G, p.His1356Arg (NM_001319984.2, NM_033084.6); c.3956A>G, p.His1319Arg (NM_001374253.1); c.4028A>G, p.His1343Arg (NM_001374254.1); c.*43+7844T>C (NM_173472.2); short protein forms H1319R, H1343R, H1356R.
Identifiers: ClinVar variation 1679058 (VCV001679058.5), dbSNP rs1348547984, ClinGen allele CA351757660.

ClinVar aggregate classification (germline): Uncertain significance. Review status: criteria provided, multiple submitters, no conflicts (2 of 4 stars). 3 submissions from 3 submitters: Uncertain significance (3). Last evaluated 2024-08-31.

Conditions:
Hereditary breast ovarian cancer syndrome. Also called: Breast and ovarian cancer; Hereditary breast and/or ovarian cancer syndrome; Hereditary breast and ovarian cancer syndrome (HBOC); Hereditary breast and ovarian cancer syndrome; Hereditary breast and ovarian cancer; BRCA1- and BRCA2-Associated Hereditary Breast and Ovarian Cancer. Identifiers: Orphanet 145, MedGen C0677776, MeSH D061325, MONDO:0003582. Disease mechanism: loss of function.
Fanconi anemia (FA). Also called: Fanconi's anemia. Identifiers: Orphanet 84, MedGen C0015625, MeSH D005199, MONDO:0019391.

Allele frequency attached by ClinVar (database versions not stated): gnomAD exomes below 0.00001.
gnomAD v4.1: 3 of 1,614,168 alleles (0.00019%); highest among the groups gnomAD compares: Non-Finnish European, 0.00025%; no homozygotes.

Submissions (3):

Labcorp Genetics (formerly Invitae), Labcorp
Classification: Uncertain significance for Fanconi anemia. Last evaluated: 2024-08-31. Review status: criteria provided, single submitter. Criteria: Invitae Variant Classification Sherloc (09022015). Collection method: clinical testing. Allele origin: germline.
Comment: This sequence change replaces histidine, which is basic and polar, with arginine, which is basic and polar, at codon 1356 of the FANCD2 protein (p.His1356Arg). This variant is present in population databases (no rsID available, gnomAD 0.0009%). This variant has not been reported in the literature in individuals affected with FANCD2-related conditions. ClinVar contains an entry for this variant (Variation ID: 1679058). Invitae Evidence Modeling of protein sequence and biophysical properties (such as structural, functional, and spatial information, amino acid conservation, physicochemical variation, residue mobility, and thermodynamic stability) indicates that this missense variant is expected to disrupt FANCD2 protein function with a positive predictive value of 80%. In summary, the available evidence is currently insufficient to determine the role of this variant in disease. Therefore, it has been classified as a Variant of Uncertain Significance.

National Health Laboratory Service, Universitas Academic Hospital and University of the Free State
Classification: Uncertain significance for Hereditary breast ovarian cancer syndrome. Last evaluated: 2022-04-19. Review status: criteria provided, single submitter. Criteria: ACMG Guidelines, 2015. Collection method: clinical testing. Allele origin: germline. Affected: yes. Observed: 1 variant allele.

Sema4
Classification: Uncertain significance for Fanconi anemia. Last evaluated: 2021-10-19. Review status: criteria provided, single submitter. Criteria: Sema4 Curation Guidelines. Collection method: curation. Allele origin: germline.
Comment: The FANCD2 c.4067A>G (p.H1356R) variant has not been reported in the literature to our knowledge. It was observed in 1/113724 chromosomes of the Non-Finnish European subpopulation in the large and broad cohorts of the Genome Aggregation Database (PMID: 32461654). The variant has not been reported in ClinVar. Functional studies have not been performed, and in silico predictions of the variant's effect on protein function are inconclusive. The evidence is insufficient to meet ACMG/AMP criteria for classifying the variant as benign or pathogenic. Thus, the clinical significance of this variant is currently uncertain.